The following is an entry in ClinVar:

ClinVar aggregate classification (germline): Uncertain significance (1 of 4 stars; one submission).

gnomAD v4.1: 4 of 1,209,955 alleles (0.00033%); highest among the groups gnomAD compares: Admixed American, 0.0044%; no homozygotes.

Submission:

Ambry Genetics
Classification: Uncertain significance. Last evaluated: 2026-04-14. Review status: criteria provided, single submitter. Criteria: Ambry Variant Classification Scheme 2023. Collection method: clinical testing. Allele origin: germline.
Comment: The c.259A>G (p.M87V) alteration is located in exon 4 (coding exon 3) of the ZNF41 gene. This alteration results from a A to G substitution at nucleotide position 259, causing the methionine (M) at amino acid position 87 to be replaced by a valine (V). Based on data from gnomAD, the G allele has an overall frequency of <0.001% (1/183491) total alleles studied. The highest observed frequency was 0.004% (1/27431) of Latino alleles. Based on insufficient or conflicting evidence, the clinical significance of this alteration remains unclear.

NM_001324144.2(ZNF41):c.259A>G (p.Met87Val)

Gene: ZNF41 (zinc finger protein 41; minus strand). Cytogenetic location: Xp11.3.
Variant type: single nucleotide variant.
Coding change: c.259A>G on transcript NM_001324144.2 (MANE Select); coding-DNA position 259, A replaced by G.
Protein change: p.Met87Val; replaces methionine 87 with valine.
Molecular consequence: missense variant. On other transcripts: initiator codon variant (6).
Genome position (GRCh38, 1-based): chrX:47,455,957, T>C on the plus strand (A>G on the coding strand, the complement: ZNF41 is on the minus strand). VCF-style: chrX-47455957-T-C. GRCh37 (hg19) VCF-style: chrX-47315356-T-C.
Other names: c.1A>G, p.Met1Val (NM_001324139.2, NM_001324141.2, NM_001324143.2 and 3 more transcripts); c.259A>G, p.Met87Val (NM_001324140.2, NM_001324147.2, NM_001324150.2 and 3 more transcripts); c.265A>G, p.Met89Val (NM_001324142.2, NM_001324148.2, NM_001324156.1); c.289A>G, p.Met97Val (NM_001324151.2, NM_001324153.2); c.361A>G, p.Met121Val (NM_001324154.1); c.385A>G, p.Met129Val (NM_001324155.1); short protein forms M121V, M129V, M1V, M87V, M89V, M97V.
Identifiers: ClinVar variation 4866947 (VCV004866947.1).
Genomic context (GRCh38, chrX:47,455,957, plus strand): 5'-TCTGTCTGGGTCATGCTCACTCACCTGAACAGCTCTGATGTGGGGCTTCCCCCTCCAGCA[T>C]CCATGGCCCCTCTCCTTGCTCCAACTTGAAGGCAGCCTCTGACTTGGGAATTTGGTACCC-3'
Protein context (NP_001311073.1, residues 77-97): FKLEQGEGPW[Met87Val]LEGEAPHQSC